The following is an entry in ClinVar:

NM_001079843.3(CASZ1):c.505+10T>A

Gene: CASZ1 (castor zinc finger 1; minus strand). Cytogenetic location: 1p36.22.
Variant type: single nucleotide variant.
Coding change: c.505+10T>A on transcript NM_001079843.3 (MANE Select); 10 bases into the intron after coding-DNA position 505, T replaced by A.
Molecular consequence: intron variant.
Genome position (GRCh38, 1-based): chr1:10,665,073, A>T on the plus strand (T>A on the coding strand, the complement: CASZ1 is on the minus strand). VCF-style: chr1-10665073-A-T. GRCh37 (hg19) VCF-style: chr1-10725130-A-T.
Other names: c.505+10T>A (NM_017766.5, NM_001079843.2).
Identifiers: ClinVar variation 1652361 (VCV001652361.11), dbSNP rs199607583, ClinGen allele CA585426.

ClinVar aggregate classification (germline): Likely benign. Review status: criteria provided, multiple submitters, no conflicts (2 of 4 stars). 3 submissions from 3 submitters: Likely benign (2). 1 of the submissions does not count toward it. Last evaluated 2026-01-16.

Conditions:
CASZ1-related disorder. Also called: CASZ1-related condition.

Allele frequency attached by ClinVar (database versions not stated): 1000 Genomes Project 30x 0.00031; 1000 Genomes Project 0.00040; TOPMed 0.00060; gnomAD exomes 0.00064 and 0.00122; ExAC 0.00077; gnomAD 0.00080 and 0.00084; ESP Exome Variant Server 0.00131.
gnomAD v4.1: 1,726 of 1,499,822 alleles (0.12%); highest among the groups gnomAD compares: Non-Finnish European, 0.14%; 3 homozygotes.

Submissions (3):

Labcorp Genetics (formerly Invitae), Labcorp
Classification: Likely benign. Last evaluated: 2026-01-16. Review status: criteria provided, single submitter. Criteria: Invitae Variant Classification Sherloc (09022015). Collection method: clinical testing. Allele origin: germline.

Blueprint Genetics
Classification: Likely benign. Last evaluated: 2024-11-19. Review status: criteria provided, single submitter. Criteria: ACMG Guidelines, 2015. Collection method: clinical testing. Allele origin: germline.

PreventionGenetics, part of Exact Sciences
Classification: Likely benign for CASZ1-related condition. Last evaluated: 2022-10-10. Review status: no assertion criteria provided. Collection method: clinical testing. Allele origin: germline. Not counted in ClinVar's aggregate classification.
Comment: This variant is classified as likely benign based on ACMG/AMP sequence variant interpretation guidelines (Richards et al. 2015 PMID: 25741868, with internal and published modifications).